The following is an entry in ClinVar:

NM_001849.4(COL6A2):c.801+1G>A

Gene: COL6A2 (collagen type VI alpha 2 chain; plus strand). Cytogenetic location: 21q22.3.
Variant type: single nucleotide variant.
Coding change: c.801+1G>A on transcript NM_001849.4 (MANE Select); the canonical splice donor site of the intron after coding-DNA position 801, G replaced by A.
Molecular consequence: splice donor variant.
Genome position (GRCh38, 1-based): chr21:46,114,074, G>A. VCF-style: chr21-46114074-G-A. GRCh37 (hg19) VCF-style: chr21-47533988-G-A.
Other names: c.801+1G>A (NM_058175.3, NM_058174.3).
Identifiers: ClinVar variation 197732 (VCV000197732.33), dbSNP rs794727715, ClinGen allele CA275306.

ClinVar aggregate classification (germline): Pathogenic. Review status: criteria provided, multiple submitters, no conflicts (2 of 4 stars). 3 submissions from 3 submitters: Pathogenic (3). Last evaluated 2025-08-18.

Conditions:
Bethlem myopathy 1A. Also called: MYOPATHY, BENIGN CONGENITAL, WITH CONTRACTURES; Bethlem myopathy 1; Bethlem Muscular Dystrophy. Identifiers: Orphanet 610, MedGen CN029274, MONDO:0024530, OMIM 158810.
Abnormality of the musculature. Identifiers: MedGen C4021745, HP:0003011.

Submissions (3):

Labcorp Genetics (formerly Invitae), Labcorp
Classification: Pathogenic for Bethlem myopathy 1A. Last evaluated: 2025-08-18. Review status: criteria provided, single submitter. Criteria: Invitae Variant Classification Sherloc (09022015). Collection method: clinical testing. Allele origin: germline.
Comment: This sequence change affects a donor splice site in intron 5 of the COL6A2 gene. It is expected to disrupt RNA splicing. Variants that disrupt the donor or acceptor splice site typically lead to a loss of protein function (PMID: 16199547), and loss-of-function variants in COL6A2 are known to be disease-causing for autosomal recessive COL6A2-related conditions (PMID: 21280092, 20976770). However, certain variants affecting donor or acceptor splice sites in the triple helical domain of COL6A2 are expected to result in in-frame exon skipping and have been reported to cause autosomal dominant COL6A2-related conditions (PMID: 18366090). This variant is not present in population databases (gnomAD no frequency). Disruption of this splice site has been observed in individual(s) with clinical features of autosomal dominant COL6A2-related conditions (PMID: 29406609). In at least one individual the variant was observed to be de novo. ClinVar contains an entry for this variant (Variation ID: 197732). Algorithms developed to predict the effect of sequence changes on RNA splicing suggest that this variant may disrupt the consensus splice site. For these reasons, this variant has been classified as Pathogenic.

Kariminejad - Najmabadi Pathology & Genetics Center
Classification: Pathogenic for Abnormality of the musculature. Last evaluated: 2021-07-10. Review status: criteria provided, single submitter. Criteria: ACMG Guidelines, 2015. Collection method: clinical testing. Allele origin: de novo. Affected: yes.

Eurofins Ntd Llc (ga)
Classification: Pathogenic. Last evaluated: 2015-01-13. Review status: criteria provided, single submitter. Criteria: EGL Classification Definitions 2015. Collection method: clinical testing. Allele origin: germline. Observed: 2 variant alleles, 2 heterozygotes.

Literature cited by the submitters: PubMed 16199547 (cited by Labcorp Genetics (formerly Invitae), Labcorp); PubMed 21280092 (cited by Labcorp Genetics (formerly Invitae), Labcorp); PubMed 20976770 (cited by Labcorp Genetics (formerly Invitae), Labcorp); PubMed 18366090 (cited by Labcorp Genetics (formerly Invitae), Labcorp); PubMed 29406609 (cited by Labcorp Genetics (formerly Invitae), Labcorp).